The following is an entry in ClinVar:

ClinVar aggregate classification (germline): Pathogenic (1 of 4 stars; one submission).

Conditions:
Intellectual developmental disorder with speech delay, autism, and dysmorphic facies. Identifiers: MedGen C5231456, MONDO:0032864, OMIM 618672.

Submission:

Cytogenetique et Genetique Moleculaire, CHU Besancon
Classification: Pathogenic for Intellectual developmental disorder with speech delay, autism, and dysmorphic facies. Last evaluated: 2023-08-13. Review status: criteria provided, single submitter. Criteria: ACMG Guidelines, 2015. Collection method: clinical testing. Allele origin: germline. Affected: yes.
Comment: The NM_014516.4:c.1538_1541del variant is a frameshift variant in CNOT3 which is predicted to result in a premature stop codon, and likely results in an absent or disrupted protein product (PVS1). This variant is not present in gnomAD (PM2; v4.1.0). In summary, this variant meets criteria to be classified as pathogenic for CNOT3-related neurodevelopmental disorders based on the ACMG/AMP criteria applied (PVS1 PM2 PM6).

NM_014516.4(CNOT3):c.1538_1541del (p.Ser513fs)

Gene: CNOT3 (CCR4-NOT transcription complex subunit 3; plus strand). Cytogenetic location: 19q13.42.
Variant type: Deletion.
Coding change: c.1538_1541del on transcript NM_014516.4 (MANE Select); coding-DNA positions 1538 to 1541, 4 bases deleted (GTGA; older notation c.1538_1541delGTGA).
Protein change: p.Ser513fs; shifts the reading frame from serine 513.
Molecular consequence: frameshift variant.
Genome position (GRCh38, 1-based): chr19:54,149,691-54,149,694, GTGA deleted; deleting any 4 consecutive bases within chr19:54,149,690-54,149,694 gives the same sequence; the c. name uses the placement nearest the transcript's 3' end. VCF-style (leftmost placement, unchanged base first): chr19-54149689-CAGTG-C. GRCh37 (hg19) VCF-style: chr19-54653424-CAGTG-C.
Other names: short protein forms S513fs.
Identifiers: ClinVar variation 3600325 (VCV003600325.1).